The following is an entry in ClinVar:

ClinVar aggregate classification (germline): Uncertain significance (1 of 4 stars; one submission).

Allele frequency attached by ClinVar (database versions not stated): TOPMed below 0.00001; gnomAD 0.00001; gnomAD exomes 0.00001; ExAC 0.00003.
gnomAD v4.1: 15 of 1,613,592 alleles (0.00093%); highest among the groups gnomAD compares: African/African-American, 0.0013%; no homozygotes.

Submission:

Labcorp Genetics (formerly Invitae), Labcorp
Classification: Uncertain significance. Last evaluated: 2022-07-13. Review status: criteria provided, single submitter. Criteria: Invitae Variant Classification Sherloc (09022015). Collection method: clinical testing. Allele origin: germline.
Comment: This sequence change falls in intron 4 of the IFT43 gene. It does not directly change the encoded amino acid sequence of the IFT43 protein. It affects a nucleotide within the consensus splice site. This variant is present in population databases (rs759403685, gnomAD 0.005%). This variant has not been reported in the literature in individuals affected with IFT43-related conditions. Variants that disrupt the consensus splice site are a relatively common cause of aberrant splicing (PMID: 17576681, 9536098). Algorithms developed to predict the effect of sequence changes on RNA splicing suggest that this variant is not likely to affect RNA splicing. In summary, the available evidence is currently insufficient to determine the role of this variant in disease. Therefore, it has been classified as a Variant of Uncertain Significance.

Literature cited by the submitters: PubMed 17576681; PubMed 9536098.

NM_001102564.3(IFT43):c.296-3C>T

Gene: IFT43 (intraflagellar transport 43; plus strand). Cytogenetic location: 14q24.3.
Variant type: single nucleotide variant.
Coding change: c.296-3C>T on transcript NM_001102564.3 (MANE Select); 3 bases into the intron before coding-DNA position 296, C replaced by T.
Molecular consequence: intron variant.
Genome position (GRCh38, 1-based): chr14:76,082,292, C>T. VCF-style: chr14-76082292-C-T. GRCh37 (hg19) VCF-style: chr14-76548635-C-T.
Other names: c.311-3C>T (NM_052873.3).
Identifiers: ClinVar variation 1910711 (VCV001910711.2), dbSNP rs759403685, ClinGen allele CA7280833.